The following is an entry in ClinVar:

ClinVar aggregate classification (germline): Conflicting classifications of pathogenicity. Review status: criteria provided, conflicting classifications (1 of 4 stars). 7 submissions from 7 submitters: Pathogenic (1); Uncertain significance (6). Last evaluated 2026-09-09.

Conditions:
WFS1-related disorder. Identifiers: MedGen CN379391, MONDO:0700293.
Cataract 41 (CTRCT41). Also called: CATARACT 41, CONGENITAL NUCLEAR TYPE. Identifiers: Orphanet 91492, Orphanet 98991, Orphanet 98992, Orphanet 98995, MedGen C3805412, MONDO:0007287, OMIM 116400.
Wolfram-like syndrome. Also called: HEARING LOSS, PROGRESSIVE, WITH OPTIC ATROPHY AND/OR IMPAIRED GLUCOSE REGULATION. Identifiers: Orphanet 411590, MedGen C3280358, MONDO:0013673, OMIM 614296.
Autosomal dominant nonsyndromic hearing loss 6 (LFSNHL). Also called: Autosomal dominant nonsyndromic deafness 6; DEAFNESS, AUTOSOMAL DOMINANT 14; DEAFNESS, AUTOSOMAL DOMINANT 38; DEAFNESS, AUTOSOMAL DOMINANT 6. Identifiers: Orphanet 90635, MedGen C1833021, MONDO:0010963, OMIM 600965.
Type 2 diabetes mellitus. Also called: Type II diabetes mellitus. Identifiers: MedGen C0011860, MeSH D003924, MONDO:0005148, OMIM 125853, HP:0005978.
Wolfram syndrome 1 (WFS1). Identifiers: Orphanet 3463, MedGen C4551693, MONDO:0009101, OMIM 222300.

Allele frequency attached by ClinVar (database versions not stated): gnomAD 0.00006 and 0.00007; TOPMed 0.00007; gnomAD exomes 0.00014; ExAC 0.00017; 1000 Genomes Project 0.00020; 1000 Genomes Project 30x 0.00031.
gnomAD v4.1: 163 of 1,613,216 alleles (0.01%); highest among the groups gnomAD compares: Middle Eastern, 0.16%; no homozygotes.

Submissions (7):

PreventionGenetics, part of Exact Sciences
Classification: Uncertain significance for WFS1-related condition. Last evaluated: 2026-09-09. Review status: criteria provided, single submitter. Criteria: ACMG Guidelines, 2015. Collection method: clinical testing. Allele origin: germline.
Comment: The WFS1 c.2620G>A variant is predicted to result in the amino acid substitution p.Ala874Thr. This variant was reported in heterozygous state in 5 individuals from 3 unrelated families tested for Wolfram syndrome, two families were affected by optic atrophy and one family by optic atrophy and hearing loss (Table 3, Galvez-Ruiz et al. 2018. PubMed ID: 29563951). This variant is reported in 0.060% of alleles in individuals of East Asian descent in gnomAD, which is higher than expected for variant causative in autosomal dominant disorder. At this time, the clinical significance of this variant is uncertain due to the absence of conclusive functional and genetic evidence.

CeGaT Center for Human Genetics Tuebingen
Classification: Uncertain significance. Last evaluated: 2025-11-01. Review status: criteria provided, single submitter. Criteria: CeGaT Center For Human Genetics Tuebingen Variant Classification Criteria Version 2. Collection method: clinical testing. Allele origin: germline. Affected: yes. Observed: 3 variant alleles.
Comment: WFS1: PM2

GeneDx
Classification: Uncertain significance. Last evaluated: 2025-07-10. Review status: criteria provided, single submitter. Criteria: GeneDx Variant Classification Process June 2021. Collection method: clinical testing. Allele origin: germline. Affected: yes.
Comment: In silico analysis suggests that this missense variant does not alter protein structure/function; This variant is associated with the following publications: (PMID: 26435059, 34426522, 29563951, 38378725)

Labcorp Genetics (formerly Invitae), Labcorp
Classification: Uncertain significance. Last evaluated: 2025-01-29. Review status: criteria provided, single submitter. Criteria: Invitae Variant Classification Sherloc (09022015). Collection method: clinical testing. Allele origin: germline.
Comment: This sequence change replaces alanine, which is neutral and non-polar, with threonine, which is neutral and polar, at codon 874 of the WFS1 protein (p.Ala874Thr). This variant is present in population databases (rs200775335, gnomAD 0.05%). This missense change has been observed in individual(s) with clinical features of autosomal dominant Wolfram-like syndrome (PMID: 29563951). ClinVar contains an entry for this variant (Variation ID: 283864). Invitae Evidence Modeling of protein sequence and biophysical properties (such as structural, functional, and spatial information, amino acid conservation, physicochemical variation, residue mobility, and thermodynamic stability) indicates that this missense variant is expected to disrupt WFS1 protein function with a positive predictive value of 95%. In summary, the available evidence is currently insufficient to determine the role of this variant in disease. Therefore, it has been classified as a Variant of Uncertain Significance.

Laboratory of Prof. Karen Avraham, Tel Aviv University
Classification: Pathogenic for Autosomal dominant nonsyndromic hearing loss 6. Last evaluated: 2024-06-13. Review status: criteria provided, single submitter. Criteria: ACMG Guidelines, 2015. Collection method: research. Allele origin: germline. Affected: yes. Observed: 1 variant allele.
Comment: Pathogenic by Deafness Variation Databse based on PMID: 29563951

DFNA6; sloping to moderate HL

Fulgent Genetics
Classification: Uncertain significance for Cataract 41; Type 2 diabetes mellitus; Wolfram syndrome 1; Autosomal dominant nonsyndromic hearing loss 6; Wolfram-like syndrome. Last evaluated: 2024-05-15. Review status: criteria provided, single submitter. Criteria: ACMG Guidelines, 2015. Collection method: clinical testing. Allele origin: germline.

Eurofins Ntd Llc (ga)
Classification: Uncertain significance. Last evaluated: 2015-10-20. Review status: criteria provided, single submitter. Criteria: EGL Classification Definitions 2015. Collection method: clinical testing. Allele origin: germline. Observed: 2 variant alleles, 2 heterozygotes.

Literature cited by the submitters: PubMed 29563951 (cited by Labcorp Genetics (formerly Invitae), Labcorp).

NM_006005.3(WFS1):c.2620G>A (p.Ala874Thr)

Gene: WFS1 (wolframin ER transmembrane glycoprotein; plus strand). Cytogenetic location: 4p16.1.
Variant type: single nucleotide variant.
Coding change: c.2620G>A on transcript NM_006005.3 (MANE Select); coding-DNA position 2620, G replaced by A.
Protein change: p.Ala874Thr; replaces alanine 874 with threonine.
Molecular consequence: missense variant.
Genome position (GRCh38, 1-based): chr4:6,302,415, G>A. VCF-style: chr4-6302415-G-A. GRCh37 (hg19) VCF-style: chr4-6304142-G-A.
Other names: c.2620G>A, p.Ala874Thr (NM_001145853.1); short protein forms A874T.
Identifiers: ClinVar variation 283864 (VCV000283864.44), dbSNP rs200775335, ClinGen allele CA2839807.